The following is an entry in ClinVar:

ClinVar aggregate classification (germline): Benign (0 of 4 stars; one submission).

Conditions:
KDM2B-related disorder. Also called: KDM2B-related condition.

Allele frequency attached by ClinVar (database versions not stated): gnomAD exomes 0.00151; ExAC 0.00462; 1000 Genomes Project 0.01498; gnomAD 0.01615; 1000 Genomes Project 30x 0.01624; TOPMed 0.01770; ESP Exome Variant Server 0.01842.
gnomAD v4.1: 4,705 of 1,614,128 alleles (0.29%); highest among the groups gnomAD compares: African/African-American, 5.6%; 114 homozygotes.

Submission:

PreventionGenetics, part of Exact Sciences
Classification: Benign for KDM2B-related condition. Last evaluated: 2019-02-19. Review status: no assertion criteria provided. Collection method: clinical testing. Allele origin: germline.
Comment: This variant is classified as benign based on ACMG/AMP sequence variant interpretation guidelines (Richards et al. 2015 PMID: 25741868, with internal and published modifications).

NM_032590.5(KDM2B):c.2130C>T (p.Asn710=)

Gene: KDM2B (lysine demethylase 2B; minus strand). Cytogenetic location: 12q24.31.
Variant type: single nucleotide variant.
Coding change: c.2130C>T on transcript NM_032590.5 (MANE Select); coding-DNA position 2130, C replaced by T.
Protein change: p.Asn710=; no amino-acid change (asparagine 710 retained).
Molecular consequence: synonymous variant.
Genome position (GRCh38, 1-based): chr12:121,444,510, G>A on the plus strand (C>T on the coding strand, the complement: KDM2B is on the minus strand). VCF-style: chr12-121444510-G-A. GRCh37 (hg19) VCF-style: chr12-121882313-G-A.
Other names: c.2037C>T, p.Asn679= (NM_001005366.2).
Identifiers: ClinVar variation 3039464 (VCV003039464.2), dbSNP rs34911648, ClinGen allele CA6836687.
Genomic context (GRCh38, chr12:121,444,510, plus strand): 5'-TTTCCCGGTCTTGCCGGCGTGGTTACACTTCGGACACTCCCAGCAGTTTGGAAGCTCGTC[G>A]TTGACCACACCCTCTGACTCCTTAATCTGCGGGGAACACCAGGACTCAGAAGAGGGACGG-3'
Protein context (NP_115979.3, residues 700-720): LKIKESEGVV[Asn710=]DELPNCWECP